The following is an entry in ClinVar:

NM_001378452.1(ITPR1):c.5885A>G (p.Lys1962Arg)

Gene: ITPR1 (inositol 1,4,5-trisphosphate receptor type 1; plus strand). Cytogenetic location: 3p26.1.
Variant type: single nucleotide variant.
Coding change: c.5885A>G on transcript NM_001378452.1 (MANE Select); coding-DNA position 5885, A replaced by G.
Protein change: p.Lys1962Arg; replaces lysine 1962 with arginine.
Molecular consequence: missense variant.
Genome position (GRCh38, 1-based): chr3:4,768,670, A>G. VCF-style: chr3-4768670-A-G. GRCh37 (hg19) VCF-style: chr3-4810354-A-G.
Other names: c.5741A>G, p.Lys1914Arg (NM_001099952.4); c.5840A>G, p.Lys1947Arg (NM_001168272.2); c.5696A>G, p.Lys1899Arg (NM_002222.7); short protein forms K1899R, K1914R, K1947R, K1962R.
Identifiers: ClinVar variation 3602398 (VCV003602398.3).

ClinVar aggregate classification (germline): Uncertain significance. Review status: criteria provided, multiple submitters, no conflicts (2 of 4 stars). 2 submissions from 2 submitters: Uncertain significance (2). Last evaluated 2025-07-14.

gnomAD v4.1: 50 of 1,613,848 alleles (0.0031%); highest among the groups gnomAD compares: Non-Finnish European, 0.0037%; no homozygotes.

Submissions (2):

Labcorp Genetics (formerly Invitae), Labcorp
Classification: Uncertain significance. Last evaluated: 2025-07-14. Review status: criteria provided, single submitter. Criteria: Invitae Variant Classification Sherloc (09022015). Collection method: clinical testing. Allele origin: germline.
Comment: This sequence change replaces lysine, which is basic and polar, with arginine, which is basic and polar, at codon 1899 of the ITPR1 protein (p.Lys1899Arg). This variant is present in population databases (rs759046469, gnomAD 0.002%). This variant has not been reported in the literature in individuals affected with ITPR1-related conditions. ClinVar contains an entry for this variant (Variation ID: 3602398). Invitae Evidence Modeling of protein sequence and biophysical properties (such as structural, functional, and spatial information, amino acid conservation, physicochemical variation, residue mobility, and thermodynamic stability) indicates that this missense variant is not expected to disrupt ITPR1 protein function with a negative predictive value of 95%. In summary, the available evidence is currently insufficient to determine the role of this variant in disease. Therefore, it has been classified as a Variant of Uncertain Significance.

GeneDx
Classification: Uncertain significance. Last evaluated: 2024-08-01. Review status: criteria provided, single submitter. Criteria: GeneDx Variant Classification Process June 2021. Collection method: clinical testing. Allele origin: germline. Affected: yes.
Comment: In silico analysis indicates that this missense variant does not alter protein structure/function; Has not been previously published as pathogenic or benign to our knowledge